The following is an entry in ClinVar:

ClinVar aggregate classification (germline): Uncertain significance (1 of 4 stars; one submission).

Conditions:
LAMA2-related muscular dystrophy (LAMA2-RD). Also called: Laminin alpha 2-related dystrophy. Identifiers: MedGen C5679788, MONDO:0100228.

Submission:

Labcorp Genetics (formerly Invitae), Labcorp
Classification: Uncertain significance for LAMA2-related muscular dystrophy. Last evaluated: 2022-08-08. Review status: criteria provided, single submitter. Criteria: Invitae Variant Classification Sherloc (09022015). Collection method: clinical testing. Allele origin: germline.
Comment: This sequence change replaces tryptophan, which is neutral and slightly polar, with cysteine, which is neutral and slightly polar, at codon 2357 of the LAMA2 protein (p.Trp2357Cys). In summary, the available evidence is currently insufficient to determine the role of this variant in disease. Therefore, it has been classified as a Variant of Uncertain Significance. Algorithms developed to predict the effect of missense changes on protein structure and function are either unavailable or do not agree on the potential impact of this missense change (SIFT: "Tolerated"; PolyPhen-2: "Probably Damaging"; Align-GVGD: "Class C0"). This variant has not been reported in the literature in individuals affected with LAMA2-related conditions. This variant is not present in population databases (gnomAD no frequency).

NM_000426.4(LAMA2):c.7071G>T (p.Trp2357Cys)

Gene: LAMA2 (laminin subunit alpha 2; plus strand). Cytogenetic location: 6q22.33.
Variant type: single nucleotide variant.
Coding change: c.7071G>T on transcript NM_000426.4 (MANE Select); coding-DNA position 7071, G replaced by T.
Protein change: p.Trp2357Cys; replaces tryptophan 2357 with cysteine.
Molecular consequence: missense variant.
Genome position (GRCh38, 1-based): chr6:129,464,368, G>T. VCF-style: chr6-129464368-G-T. GRCh37 (hg19) VCF-style: chr6-129785513-G-T.
Other names: c.7071G>T, p.Trp2357Cys (NM_001079823.2); short protein forms W2357C.
Identifiers: ClinVar variation 1715771 (VCV001715771.6), dbSNP rs1276312596, ClinGen allele CA365620479.